The following is an entry in ClinVar:

NM_025099.6(CTC1):c.2978_2981dup (p.Leu995fs)

Gene: CTC1 (CST telomere replication complex component 1; minus strand). Cytogenetic location: 17p13.1.
Variant type: Duplication.
Coding change: c.2978_2981dup on transcript NM_025099.6 (MANE Select); coding-DNA positions 2978 to 2981, 4 bases duplicated (AGGT; older notation c.2978_2981dupAGGT).
Protein change: p.Leu995fs; shifts the reading frame from leucine 995.
Molecular consequence: frameshift variant. On other transcripts: non-coding transcript variant (1).
Genome position (GRCh38, 1-based): chr17:8,229,921-8,229,924, ACCT duplicated on the plus strand (AGGT on the coding strand, the reverse complement: CTC1 is on the minus strand). VCF-style (leftmost placement, unchanged base first): chr17-8229920-G-GACCT. GRCh37 (hg19) VCF-style: chr17-8133238-G-GACCT.
Other names: short protein forms L995fs.
Identifiers: ClinVar variation 1433246 (VCV001433246.6), dbSNP rs2151502269, ClinGen allele CA2573154538.

ClinVar aggregate classification (germline): Pathogenic (1 of 4 stars; one submission).

Conditions:
Dyskeratosis congenita. Identifiers: Orphanet 1775, MedGen C0265965, MONDO:0015780.

Submission:

Labcorp Genetics (formerly Invitae), Labcorp
Classification: Pathogenic for Dyskeratosis congenita. Last evaluated: 2021-03-06. Review status: criteria provided, single submitter. Criteria: Invitae Variant Classification Sherloc (09022015). Collection method: clinical testing. Allele origin: germline.
Comment: This variant has not been reported in the literature in individuals with CTC1-related conditions. This variant is not present in population databases (ExAC no frequency). This sequence change creates a premature translational stop signal (p.Leu995Glyfs*7) in the CTC1 gene. It is expected to result in an absent or disrupted protein product. Loss-of-function variants in CTC1 are known to be pathogenic (PMID: 22267198, 22387016). Algorithms developed to predict the effect of sequence changes on RNA splicing suggest that this variant may create or strengthen a splice site, but this prediction has not been confirmed by published transcriptional studies. For these reasons, this variant has been classified as Pathogenic.

Literature cited by the submitters: PubMed 22267198; PubMed 22387016.